The following is an entry in ClinVar:

ClinVar aggregate classification (germline): Conflicting classifications of pathogenicity. Review status: criteria provided, conflicting classifications (1 of 4 stars). 19 submissions from 14 submitters: Uncertain significance (1); Benign (14); Likely benign (1). 3 of the submissions do not count toward it. Last evaluated 2026-02-04.

Conditions:
Diabetes mellitus, permanent neonatal 3. Also called: ABCC8-Related Permanent Neonatal Diabetes Mellitus. Identifiers: MedGen C5394303, MONDO:0030088, OMIM 618857.
Hereditary hyperinsulinism.
Permanent neonatal diabetes mellitus (PNDM). Identifiers: Orphanet 99885, MedGen C1833104, MONDO:0100164, MONDO:0011643. Disease mechanism: gain of function.
Diabetes mellitus, transient neonatal, 2 (TNDM2). Identifiers: Orphanet 99886, MedGen C1835887, MONDO:0012480, OMIM 610374. Disease mechanism: loss of function.
Leucine-induced hypoglycemia (LIH). Also called: LEUCINE-SENSITIVE HYPOGLYCEMIA OF INFANCY. Identifiers: MedGen C0271714, MONDO:0009415, OMIM 240800.
Hyperinsulinemic hypoglycemia, familial, 1 (HHF1). Also called: Persistent hyperinsulinemic hypoglycemia of infancy; HYPERINSULINISM, FAMILIAL, WITH PANCREATIC NESIDIOBLASTOSIS; HYPOGLYCEMIA, HYPERINSULINEMIC, OF INFANCY; NESIDIOBLASTOSIS OF PANCREAS; Persistent Hyperinsulinemia Hypoglycemia of Infancy. Identifiers: Orphanet 276575, Orphanet 276598, MedGen C2931832, MONDO:0009734, OMIM 256450.
Hyperinsulinemia. Also called: Hyperinsulinism. Identifiers: MedGen C0020459, MONDO:0002177, HP:0000842.

Allele frequency attached by ClinVar (database versions not stated): 1000 Genomes Project 30x 0.43520; 1000 Genomes Project 0.43930; ExAC 0.47397; TOPMed 0.47435; gnomAD exomes 0.47531; ESP Exome Variant Server 0.47682.
gnomAD v4.1: 781,572 of 1,613,814 alleles (48%); highest among the groups gnomAD compares: Middle Eastern, 61%; 191,759 homozygotes.

Submissions (19):

Labcorp Genetics (formerly Invitae), Labcorp
Classification: Benign. Last evaluated: 2026-02-04. Review status: criteria provided, single submitter. Criteria: Invitae Variant Classification Sherloc (09022015). Collection method: clinical testing. Allele origin: germline.

Mayo Clinic Laboratories, Mayo Clinic
Classification: Benign. Last evaluated: 2025-04-14. Review status: criteria provided, single submitter. Criteria: ACMG Guidelines, 2015. Collection method: clinical testing. Allele origin: germline. Observed: 1 variant allele.
Comment: BA1

Blueprint Genetics
Classification: Benign. Last evaluated: 2024-11-27. Review status: criteria provided, single submitter. Criteria: ACMG Guidelines, 2015. Collection method: clinical testing. Allele origin: germline.

Pars Genome Lab
Classification: Benign for Leucine-induced hypoglycemia. Last evaluated: 2021-07-01. Review status: criteria provided, single submitter. Criteria: ACMG Guidelines, 2015. Collection method: clinical testing. Allele origin: germline. Affected: no.

Pars Genome Lab
Classification: Benign for Hyperinsulinemic hypoglycemia, familial, 1. Last evaluated: 2021-07-01. Review status: criteria provided, single submitter. Criteria: ACMG Guidelines, 2015. Collection method: clinical testing. Allele origin: germline. Affected: no.

Pars Genome Lab
Classification: Benign for Diabetes mellitus, transient neonatal, 2. Last evaluated: 2021-07-01. Review status: criteria provided, single submitter. Criteria: ACMG Guidelines, 2015. Collection method: clinical testing. Allele origin: germline. Affected: no.

Pars Genome Lab
Classification: Benign for Diabetes mellitus, permanent neonatal 3. Last evaluated: 2021-07-01. Review status: criteria provided, single submitter. Criteria: ACMG Guidelines, 2015. Collection method: clinical testing. Allele origin: germline. Affected: no.

GeneDx
Classification: Benign. Last evaluated: 2018-08-09. Review status: criteria provided, single submitter. Criteria: GeneDx Variant Classification Process June 2021. Collection method: clinical testing. Allele origin: germline. Affected: yes.
Comment: This variant is associated with the following publications: (PMID: 21671119)

Illumina Laboratory Services, Illumina
Classification: Benign for Diabetes mellitus, transient neonatal, 2. Last evaluated: 2018-01-13. Review status: criteria provided, single submitter. Criteria: ICSL Variant Classification Criteria 13 December 2019. Collection method: clinical testing. Allele origin: germline.
Comment: This variant was observed in the ICSL laboratory as part of a predisposition screen in an ostensibly healthy population. It had not been previously curated by ICSL or reported in the Human Gene Mutation Database (HGMD: prior to June 1st, 2018), and was therefore a candidate for classification through an automated scoring system. Utilizing variant allele frequency, disease prevalence and penetrance estimates, and inheritance mode, an automated score was calculated to assess if this variant is too frequent to cause the disease. Based on the score and internal cut-off values, a variant classified as benign is not then subjected to further curation. The score for this variant resulted in a classification of benign for this disease.

Illumina Laboratory Services, Illumina
Classification: Benign for Hyperinsulinemic hypoglycemia, familial, 1. Last evaluated: 2018-01-13. Review status: criteria provided, single submitter. Criteria: ICSL Variant Classification Criteria 13 December 2019. Collection method: clinical testing. Allele origin: germline.
Comment: the same text as in the submission from Illumina Laboratory Services, Illumina above.

Illumina Laboratory Services, Illumina
Classification: Benign for Permanent neonatal diabetes mellitus 1. Last evaluated: 2018-01-13. Review status: criteria provided, single submitter. Criteria: ICSL Variant Classification Criteria 13 December 2019. Collection method: clinical testing. Allele origin: germline.
Comment: the same text as in the submission from Illumina Laboratory Services, Illumina above.

Athena Diagnostics
Classification: Benign. Last evaluated: 2017-04-12. Review status: criteria provided, single submitter. Criteria: Athena Diagnostics Criteria. Collection method: clinical testing. Allele origin: germline.

Eurofins Ntd Llc (ga)
Classification: Benign. Last evaluated: 2014-10-14. Review status: criteria provided, single submitter. Criteria: EGL Classification Definitions 2015. Collection method: clinical testing. Allele origin: germline.

Genetic Services Laboratory, University of Chicago
Classification: Likely benign. Last evaluated: 2013-02-07. Review status: criteria provided, single submitter. Criteria: ACMG Guidelines, 2007. Collection method: clinical testing. Allele origin: germline. Inheritance: Autosomal unknown.
Comment: Likely benign based on allele frequency in 1000 Genomes Project or ESP global frequency and its presence in a patient with a rare or unrelated disease phenotype. NOT Sanger confirmed

Clinical Genomics, Uppaluri K&H Personalized Medicine Clinic
Classification: Uncertain significance for Hyperinsulinemia. Review status: criteria provided, single submitter. Criteria: K&H Uppaluri Personalized Medicine Clinic Variant Classification & Assertion Criteria. Collection method: research. Allele origin: somatic. Inheritance: Autosomal dominant inheritance.
Comment: Mutations in ABCC8 gene are generally associated with both neonatal diabetes mellitus as well as MODY. Patients with this mutation may respond to sulfonylureas. Although rs1048099 is prevalent in hyperinsulinemic hypoglycemia in infancy, sufficient evidence is not seen to demonstrate the association of this variant with neonatal diabetes or MODY.

PreventionGenetics, part of Exact Sciences
Classification: Benign. Review status: criteria provided, single submitter. Criteria: ACMG Guidelines, 2015. Collection method: clinical testing. Allele origin: germline.

Natera, Inc.
Classification: Benign for Hereditary hyperinsulinism. Last evaluated: 2020-09-16. Review status: no assertion criteria provided. Collection method: clinical testing. Allele origin: germline. Not counted in ClinVar's aggregate classification.

Diagnostic Laboratory, Department of Genetics, University Medical Center Groningen
Classification: Benign. Review status: no assertion criteria provided. Collection method: clinical testing. Allele origin: germline. Affected: yes. Study: VKGL Data-share Consensus. Not counted in ClinVar's aggregate classification.

Joint Genome Diagnostic Labs from Nijmegen and Maastricht, Radboudumc and MUMC+
Classification: Benign. Review status: no assertion criteria provided. Collection method: clinical testing. Allele origin: germline. Affected: yes. Study: VKGL Data-share Consensus. Not counted in ClinVar's aggregate classification.

Literature cited by the submitters: PubMed 25871929 (cited by Clinical Genomics, Uppaluri K&H Personalized Medicine Clinic).

NM_000352.6(ABCC8):c.207T>C (p.Pro69=)

Gene: ABCC8 (ATP binding cassette subfamily C member 8; minus strand). Cytogenetic location: 11p15.1.
Variant type: single nucleotide variant.
Coding change: c.207T>C on transcript NM_000352.6 (MANE Select); coding-DNA position 207, T replaced by C.
Protein change: p.Pro69=; no amino-acid change (proline 69 retained).
Molecular consequence: synonymous variant. On other transcripts: non-coding transcript variant (1).
Genome position (GRCh38, 1-based): chr11:17,474,969, A>G on the plus strand (T>C on the coding strand, the complement: ABCC8 is on the minus strand). VCF-style: chr11-17474969-A-G. GRCh37 (hg19) VCF-style: chr11-17496516-A-G.
Other names: p.Pro69=; c.207T>C, p.Pro69= (NM_001287174.3, NM_001351295.2, NM_001351296.2 and 1 more transcripts); c.207T>C (NM_000352.5).
Identifiers: ClinVar variation 157687 (VCV000157687.34), dbSNP rs1048099, ClinGen allele CA171051.